The following is an entry in ClinVar:

NM_004304.5(ALK):c.4699A>G (p.Lys1567Glu)

Gene: ALK (ALK receptor tyrosine kinase; minus strand). Cytogenetic location: 2p23.2.
Variant type: single nucleotide variant.
Coding change: c.4699A>G on transcript NM_004304.5 (MANE Select); coding-DNA position 4699, A replaced by G.
Protein change: p.Lys1567Glu; replaces lysine 1567 with glutamic acid.
Molecular consequence: missense variant.
Genome position (GRCh38, 1-based): chr2:29,193,388, T>C on the plus strand (A>G on the coding strand, the complement: ALK is on the minus strand). VCF-style: chr2-29193388-T-C. GRCh37 (hg19) VCF-style: chr2-29416254-T-C.
Other names: c.1495A>G, p.Lys499Glu (NM_001353765.2); short protein forms K499E, K1567E.
Identifiers: ClinVar variation 2964982 (VCV002964982.3), dbSNP rs2465872876, ClinGen allele CA346460431.
Genomic context (GRCh38, chr2:29,193,388, plus strand): 5'-GGTAGCCGTAATTGACATTCCCACAAGGGAAGTGACGTAGCCTGAACAGAGGTACCTCCT[T>C]CATATTGGCAGTCAGCGAAGAGGGCTCTAGGAGCAGTGAGGCCCCCGGAAGTCTCCCAGT-3'
Protein context (NP_004295.2, residues 1557-1577): LEPSSLTANM[Lys1567Glu]EVPLFRLRHF

ClinVar aggregate classification (germline): Uncertain significance (1 of 4 stars; one submission).

Conditions:
Neuroblastoma, susceptibility to, 3. Also called: ALK-Related Neuroblastic Tumor Susceptibility. Identifiers: Orphanet 635, MedGen C2751681, MONDO:0013083, OMIM 613014.

Submission:

Labcorp Genetics (formerly Invitae), Labcorp
Classification: Uncertain significance for Neuroblastoma, susceptibility to, 3. Last evaluated: 2023-09-17. Review status: criteria provided, single submitter. Criteria: Invitae Variant Classification Sherloc (09022015). Collection method: clinical testing. Allele origin: germline.
Comment: In summary, the available evidence is currently insufficient to determine the role of this variant in disease. Therefore, it has been classified as a Variant of Uncertain Significance. An algorithm developed to predict the effect of missense changes on protein structure and function (PolyPhen-2) suggests that this variant is likely to be tolerated. This variant has not been reported in the literature in individuals affected with ALK-related conditions. This variant is not present in population databases (gnomAD no frequency). This sequence change replaces lysine, which is basic and polar, with glutamic acid, which is acidic and polar, at codon 1567 of the ALK protein (p.Lys1567Glu).